The following is an entry in ClinVar:

NM_016222.4(DDX41):c.1298C>T (p.Pro433Leu)

Gene: DDX41 (DEAD-box helicase 41; minus strand). Cytogenetic location: 5q35.3.
Variant type: single nucleotide variant.
Coding change: c.1298C>T on transcript NM_016222.4 (MANE Select); coding-DNA position 1298, C replaced by T.
Protein change: p.Pro433Leu; replaces proline 433 with leucine.
Molecular consequence: missense variant.
Genome position (GRCh38, 1-based): chr5:177,513,015, G>A on the plus strand (C>T on the coding strand, the complement: DDX41 is on the minus strand). VCF-style: chr5-177513015-G-A. GRCh37 (hg19) VCF-style: chr5-176940016-G-A.
Other names: c.920C>T, p.Pro307Leu (NM_001321732.2, NM_001321830.2); c.1298C>T (NM_016222.2); short protein forms P433L, P307L.
Identifiers: ClinVar variation 2853869 (VCV002853869.4), dbSNP rs1761049660, ClinGen allele CA362373441.
Genomic context (GRCh38, chr5:177,513,015, plus strand): 5'-CAAAGCCCTCCCTGGTCCTGGGGACTCTGGCCCCGGCCTGGCCTGGCTGCACTCACAGGC[G>A]GGGGTGTCTTCTGCAGGCACTCGAGCAGGTACACCATCTTGGCCTCCTCCTTCACATATT-3'
Protein context (NP_057306.2, residues 423-443): YLLECLQKTP[Pro433Leu]PVLIFAEKKA

ClinVar aggregate classification (germline): Uncertain significance. Review status: criteria provided, multiple submitters, no conflicts (2 of 4 stars). 2 submissions from 2 submitters: Uncertain significance (2). Last evaluated 2025-01-03.

Conditions:
Inborn genetic diseases. Identifiers: MedGen C0950123, MeSH D030342.

Allele frequency attached by ClinVar (database versions not stated): TOPMed below 0.00001.

Submissions (2):

Ambry Genetics
Classification: Uncertain significance for Inborn genetic diseases. Last evaluated: 2025-01-03. Review status: criteria provided, single submitter. Criteria: Ambry Variant Classification Scheme 2023. Collection method: clinical testing. Allele origin: germline.
Comment: The p.P433L variant (also known as c.1298C>T), located in coding exon 12 of the DDX41 gene, results from a C to T substitution at nucleotide position 1298. The proline at codon 433 is replaced by leucine, an amino acid with similar properties. This amino acid position is conserved. In addition, the in silico prediction for this alteration is inconclusive. Based on the available evidence, the clinical significance of this variant remains unclear.

Labcorp Genetics (formerly Invitae), Labcorp
Classification: Uncertain significance. Last evaluated: 2023-10-10. Review status: criteria provided, single submitter. Criteria: Invitae Variant Classification Sherloc (09022015). Collection method: clinical testing. Allele origin: germline.
Comment: This sequence change replaces proline, which is neutral and non-polar, with leucine, which is neutral and non-polar, at codon 433 of the DDX41 protein (p.Pro433Leu). This variant is not present in population databases (gnomAD no frequency). This variant has not been reported in the literature in individuals affected with DDX41-related conditions. An algorithm developed to predict the effect of missense changes on protein structure and function (PolyPhen-2) suggests that this variant is likely to be tolerated. In summary, the available evidence is currently insufficient to determine the role of this variant in disease. Therefore, it has been classified as a Variant of Uncertain Significance.